The following is an entry in ClinVar:

NM_004006.3(DMD):c.5922+4A>G

Gene: DMD (dystrophin; minus strand). Cytogenetic location: Xp21.1.
Variant type: single nucleotide variant.
Coding change: c.5922+4A>G on transcript NM_004006.3 (MANE Select); 4 bases into the intron after coding-DNA position 5922, A replaced by G.
Molecular consequence: intron variant.
Genome position (GRCh38, 1-based): chrX:32,342,096, T>C on the plus strand (A>G on the coding strand, the complement: DMD is on the minus strand). VCF-style: chrX-32342096-T-C. GRCh37 (hg19) VCF-style: chrX-32360213-T-C.
Other names: c.5898+4A>G (NM_000109.4); c.1899+4A>G (NM_004011.4); c.1890+4A>G (NM_004012.4); c.5910+4A>G (NM_004009.3); c.5553+4A>G (NM_004010.3).
Identifiers: ClinVar variation 811846 (VCV000811846.8), dbSNP rs1603631218, ClinGen allele CA915950922.
Genomic context (GRCh38, chrX:32,342,096, plus strand): 5'-GTAGGCCTCTGTTAATAGAGTAGTAGTTGCAAACACATACGTGGGTTTGCCAGTAACAAC[T>C]CACAATTTGTGCAAAGTTGAGTCTTCGAAACTGAGCAAATTTGCTCTCAATTTCCCGCCA-3'

ClinVar aggregate classification (germline): Likely pathogenic (1 of 4 stars; one submission).

Submission:

ARUP Laboratories, Molecular Genetics and Genomics, ARUP Laboratories
Classification: Likely pathogenic. Last evaluated: 2018-12-17. Review status: criteria provided, single submitter. Criteria: ARUP Molecular Germline Variant Investigation Process. Collection method: clinical testing. Allele origin: germline.
Comment: The DMD c.5922+4A>G variant, to our knowledge, is not reported in the medical literature or gene specific databases. This variant is also absent from general population databases (1000 Genomes Project, Exome Variant Server, and Genome Aggregation Database), indicating it is not a common polymorphism. This is an intronic variant in a highly conserved nucleotide, and computational analyses (Alamut v.2.11) predict that this variant may impact splicing by disrupting the canonical splice donor site of intron 41. Other variants predicted to disrupt this same splice donor site (c.5922+2T>C; c.5922+3G>C) have been reported in individuals with Becker muscular dystrophy with an in-frame deletion of exon 41, and are considered pathogenic (Deburgrave 2007, Flanigan 2009). Based on available information, the c.5922+4A>G variant is considered to be likely pathogenic. References: Deburgrave N et al. Protein- and mRNA-based phenotype-genotype correlations in DMD/BMD with point mutations and molecular basis for BMD with nonsense and frameshift mutations in the DMD gene. Hum Mutat. 2007 Feb;28(2):183-95. Flanigan KM et al. Mutational spectrum of DMD mutations in dystrophinopathy patients: application of modern diagnostic techniques to a large cohort. Hum Mutat. 2009 Dec;30(12):1657-66.